The following is an entry in ClinVar:

NM_001035.3(RYR2):c.12648G>A (p.Ala4216=)

Genes: RYR2 (ryanodine receptor 2; plus strand), LOC126806068 (BRD4-independent group 4 enhancer GRCh37_chr1:237947411-237948610; plus strand). Cytogenetic location: 1q43.
Variant type: single nucleotide variant.
Coding change: c.12648G>A on transcript NM_001035.3 (MANE Select); coding-DNA position 12648, G replaced by A.
Protein change: p.Ala4216=; no amino-acid change (alanine 4216 retained).
Molecular consequence: synonymous variant.
Genome position (GRCh38, 1-based): chr1:237,784,360, G>A. VCF-style: chr1-237784360-G-A. GRCh37 (hg19) VCF-style: chr1-237947660-G-A.
Other names: c.12648G>A, p.Ala4216= (LRG_402t1).
Identifiers: ClinVar variation 496089 (VCV000496089.17), dbSNP rs781557399, ClinGen allele CA085208.

ClinVar aggregate classification (germline): Benign/Likely benign. Review status: criteria provided, multiple submitters, no conflicts (2 of 4 stars). 5 submissions from 5 submitters: Benign (1); Likely benign (4). Last evaluated 2026-01-07.

Conditions:
Cardiovascular phenotype. Identifiers: MedGen CN230736.
Catecholaminergic polymorphic ventricular tachycardia (CVPT). Also called: Catecholamine-induced polymorphic ventricular tachycardia. Identifiers: Orphanet 3286, MedGen C5574922, MONDO:0017990.
Cardiomyopathy (CMYO). Also called: Cardiomyopathies. Identifiers: Orphanet 167848, MedGen C0878544, MONDO:0004994, HP:0001638. Inheritance: Various modes of inheritance.
Catecholaminergic polymorphic ventricular tachycardia 1. Also called: RYR2-Related Catecholaminergic Polymorphic Ventricular Tachycardia; VENTRICULAR TACHYCARDIA, CATECHOLAMINERGIC POLYMORPHIC, 1, WITH OR WITHOUT ATRIAL DYSFUNCTION AND/OR DILATED CARDIOMYOPATHY; VENTRICULAR TACHYCARDIA, STRESS-INDUCED POLYMORPHIC 1. Identifiers: Orphanet 3286, MedGen C1631597, MONDO:0011484, OMIM 604772.

Allele frequency attached by ClinVar (database versions not stated): gnomAD exomes 0.00001 and 0.00002; TOPMed 0.00002; ExAC 0.00005.
gnomAD v4.1: 13 of 1,613,930 alleles (0.00081%); highest among the groups gnomAD compares: East Asian, 0.018%; no homozygotes.

Submissions (5):

Labcorp Genetics (formerly Invitae), Labcorp
Classification: Likely benign for Catecholaminergic polymorphic ventricular tachycardia 1. Last evaluated: 2026-01-07. Review status: criteria provided, single submitter. Criteria: Invitae Variant Classification Sherloc (09022015). Collection method: clinical testing. Allele origin: germline.

All of Us Research Program, National Institutes of Health
Classification: Likely benign for Catecholaminergic polymorphic ventricular tachycardia. Last evaluated: 2023-10-02. Review status: criteria provided, single submitter. Criteria: ACMG Guidelines, 2015. Collection method: clinical testing. Allele origin: germline. Inheritance: Autosomal dominant inheritance. Observed: 5 variant alleles, 5 heterozygotes.
Comment: This study involves interpretation of variants in research participants for the purpose of population health screening. Participant phenotype was not available at the time of variant classification. Additional details can be found in publication PMID: 35346344, PMCID: PMC8962531

Color Diagnostics, LLC DBA Color Health
Classification: Likely benign for Cardiomyopathy. Last evaluated: 2019-12-09. Review status: criteria provided, single submitter. Criteria: ACMG Guidelines, 2015. Collection method: clinical testing. Allele origin: germline.

Ambry Genetics
Classification: Likely benign for Cardiovascular phenotype. Last evaluated: 2017-01-31. Review status: criteria provided, single submitter. Criteria: Ambry Variant Classification Scheme 2023. Collection method: clinical testing. Allele origin: germline.

Women's Health and Genetics/Laboratory Corporation of America, LabCorp
Classification: Benign. Last evaluated: 2017-01-09. Review status: criteria provided, single submitter. Criteria: LabCorp Variant Classification Summary - May 2015. Collection method: clinical testing. Allele origin: germline.
Comment: Variant summary: The RYR2 c.12648G>A (p.Ala4216Ala) variant involves the alteration of a non-conserved nucleotide, resulting in a synonymous change. One in silico tool predicts a benign outcome for this variant. 5/5 splice prediction tools predict no significant impact on normal splicing. However, these predictions have yet to be confirmed by functional studies. This variant was found in 6/120450 control chromosomes, exclusively observed in the East Asian subpopulation at a frequency of 0.0006975 (6/8602). This frequency is about 28 times the estimated maximal expected allele frequency of a pathogenic RYR2 variant (0.000025), suggesting this is likely a benign polymorphism found primarily in the populations of East Asian origin. The variant of interest has not, to our knowledge, been reported as germline mutation in affected individuals via publications and/or reputable databases/clinical diagnostic laboratories; nor evaluated for functional impact by in vivo/vitro studies. Taken together, this variant is classified as benign.